The following is an entry in ClinVar:

NM_020975.6(RET):c.1795C>A (p.Pro599Thr)

Gene: RET (ret proto-oncogene; plus strand). Cytogenetic location: 10q11.21.
Variant type: single nucleotide variant.
Coding change: c.1795C>A on transcript NM_020975.6 (MANE Select); coding-DNA position 1795, C replaced by A.
Protein change: p.Pro599Thr; replaces proline 599 with threonine.
Molecular consequence: missense variant. On other transcripts: intron variant (2).
Genome position (GRCh38, 1-based): chr10:43,113,591, C>A. VCF-style: chr10-43113591-C-A. GRCh37 (hg19) VCF-style: chr10-43609039-C-A.
Other names: c.1033C>A, p.Pro345Thr (NM_001355216.2); c.1795C>A, p.Pro599Thr (NM_001406743.1, NM_001406744.1, NM_001406759.1 and 4 more transcripts); c.1666C>A, p.Pro556Thr (NM_001406761.1, NM_001406762.1, NM_001406764.1 and 1 more transcripts); c.1507C>A, p.Pro503Thr (NM_001406766.1, NM_001406767.1, NM_001406770.1); c.1399C>A, p.Pro467Thr (NM_001406769.1, NM_001406772.1); c.1357C>A, p.Pro453Thr (NM_001406771.1, NM_001406773.1); c.1270C>A, p.Pro424Thr (NM_001406774.1); c.1069C>A, p.Pro357Thr (NM_001406775.1, NM_001406776.1, NM_001406777.1 and 1 more transcripts); and 7 more; short protein forms P204T, P345T, P357T, P453T, P556T, P257T, P269T, P424T.
Identifiers: ClinVar variation 4841372 (VCV004841372.1).

ClinVar aggregate classification (germline): Uncertain significance (1 of 4 stars; one submission).

Conditions:
Hereditary cancer-predisposing syndrome. Also called: Neoplastic Syndromes, Hereditary; Tumor predisposition; Hereditary Cancer Syndrome; Hereditary neoplastic syndrome. Identifiers: Orphanet 140162, MedGen C0027672, MeSH D009386, MONDO:0015356.

gnomAD v4.1: 1 of 1,611,524 alleles (0.000062%); highest among the groups gnomAD compares: South Asian, 0.0011%; no homozygotes.

Submission:

Ambry Genetics
Classification: Uncertain significance for Hereditary cancer-predisposing syndrome. Last evaluated: 2026-01-03. Review status: criteria provided, single submitter. Criteria: Ambry Variant Classification Scheme 2023. Collection method: clinical testing. Allele origin: germline.
Comment: The p.P599T variant (also known as c.1795C>A), located in coding exon 10 of the RET gene, results from a C to A substitution at nucleotide position 1795. The proline at codon 599 is replaced by threonine, an amino acid with highly similar properties. This amino acid position is conserved. In addition, the in silico prediction for this alteration is inconclusive. Based on the available evidence, the clinical significance of this variant remains unclear.